The following is an entry in ClinVar:

ClinVar aggregate classification (germline): Uncertain significance (1 of 4 stars; one submission).

Conditions:
TRIO-related disorder. Also called: TRIO-related disorders; TRIO-related condition.

Submission:

PreventionGenetics, part of Exact Sciences
Classification: Uncertain significance for TRIO-related condition. Last evaluated: 2026-02-06. Review status: criteria provided, single submitter. Criteria: ACMG Guidelines, 2015. Collection method: clinical testing. Allele origin: germline.
Comment: The TRIO c.6886G>A variant is predicted to result in the amino acid substitution p.Gly2296Ser. To our knowledge, this variant has not been reported in the literature or in a large population database (gnomAD), indicating this variant is rare. At this time, the clinical significance of this variant is uncertain due to the absence of conclusive functional and genetic evidence.

NM_007118.4(TRIO):c.6886G>A (p.Gly2296Ser)

Gene: TRIO (trio Rho guanine nucleotide exchange factor; plus strand). Cytogenetic location: 5p15.2.
Variant type: single nucleotide variant.
Coding change: c.6886G>A on transcript NM_007118.4 (MANE Select); coding-DNA position 6886, G replaced by A.
Protein change: p.Gly2296Ser; replaces glycine 2296 with serine.
Molecular consequence: missense variant. On other transcripts: non-coding transcript variant (1).
Genome position (GRCh38, 1-based): chr5:14,487,514, G>A. VCF-style: chr5-14487514-G-A. GRCh37 (hg19) VCF-style: chr5-14487623-G-A.
Other names: short protein forms G2296S.
Identifiers: ClinVar variation 4984870 (VCV004984870.1).
Genomic context (GRCh38, chr5:14,487,514, plus strand): 5'-TGTCTTACAGCCTTGACATCGCCAATCGAGTACCAGAGGAACCACAGCGGGGGCGGCGGC[G>A]GCGGCGGCAGCGGGGGCAGCGGCGGGGGTGGGGGCAGCGGCGGCGGCGGGGCCCCCAGTG-3'
Protein context (NP_009049.2, residues 2286-2306): YQRNHSGGGG[Gly2296Ser]GGSGGSGGGG